The following is an entry in ClinVar:

NM_025137.4(SPG11):c.1355T>C (p.Leu452Pro)

Gene: SPG11 (SPG11 vesicle trafficking associated, spatacsin; minus strand). Cytogenetic location: 15q21.1.
Variant type: single nucleotide variant.
Coding change: c.1355T>C on transcript NM_025137.4 (MANE Select); coding-DNA position 1355, T replaced by C.
Protein change: p.Leu452Pro; replaces leucine 452 with proline.
Molecular consequence: missense variant.
Genome position (GRCh38, 1-based): chr15:44,651,592, A>G on the plus strand (T>C on the coding strand, the complement: SPG11 is on the minus strand). VCF-style: chr15-44651592-A-G. GRCh37 (hg19) VCF-style: chr15-44943790-A-G.
Other names: c.1355T>C, p.Leu452Pro (NM_001160227.2, NM_001411132.1); short protein forms L452P.
Identifiers: ClinVar variation 1932301 (VCV001932301.2), dbSNP rs776275517, ClinGen allele CA392236026.
Genomic context (GRCh38, chr15:44,651,592, plus strand): 5'-ACAGGAATACACTTTGTGCCAAGGGAAAAACACTGCATGCCCTGGGTCTCCAAATCCCAG[A>G]GGGTAATGGTATAGCCCATCCTTTCCACTTCCCAAGTAAACAGTGCAGTGAATCCTGTCA-3'
Protein context (NP_079413.3, residues 442-462): EVERMGYTIT[Leu452Pro]WDLETQGMQC

ClinVar aggregate classification (germline): Uncertain significance (1 of 4 stars; one submission).

Conditions:
Hereditary spastic paraplegia 11. Also called: Nakamura Osame syndrome; Autosomal recessive hereditary spastic paraplegia, mental impairment, and thin corpus callosum; SPASTIC PARAPLEGIA, AUTOSOMAL RECESSIVE, COMPLICATED, WITH THIN CORPUS CALLOSUM; SPASTIC PARAPLEGIA, AUTOSOMAL RECESSIVE, WITH MENTAL IMPAIRMENT AND THIN CORPUS CALLOSUM; Spastic Paraplegia 11; Spastic paraplegia, mental retardation and thin corpus callosum. Identifiers: Orphanet 2822, MedGen C1858479, MONDO:0011445, OMIM 604360.

gnomAD v4.1: 4 of 1,614,204 alleles (0.00025%); highest among the groups gnomAD compares: Non-Finnish European, 0.00025%; no homozygotes.

Submission:

Labcorp Genetics (formerly Invitae), Labcorp
Classification: Uncertain significance for Hereditary spastic paraplegia 11. Last evaluated: 2022-01-26. Review status: criteria provided, single submitter. Criteria: Invitae Variant Classification Sherloc (09022015). Collection method: clinical testing. Allele origin: germline.
Comment: This sequence change replaces leucine, which is neutral and non-polar, with proline, which is neutral and non-polar, at codon 452 of the SPG11 protein (p.Leu452Pro). This variant is present in population databases (no rsID available, gnomAD 0.0009%). This variant has not been reported in the literature in individuals affected with SPG11-related conditions. Algorithms developed to predict the effect of missense changes on protein structure and function are either unavailable or do not agree on the potential impact of this missense change (SIFT: "Deleterious"; PolyPhen-2: "Probably Damaging"; Align-GVGD: "Class C0"). In summary, the available evidence is currently insufficient to determine the role of this variant in disease. Therefore, it has been classified as a Variant of Uncertain Significance.